The following is an entry in ClinVar:

ClinVar aggregate classification (germline): Uncertain significance (1 of 4 stars; one submission).

Submission:

CeGaT Center for Human Genetics Tuebingen
Classification: Uncertain significance. Last evaluated: 2025-04-01. Review status: criteria provided, single submitter. Criteria: CeGaT Center For Human Genetics Tuebingen Variant Classification Criteria Version 2. Collection method: clinical testing. Allele origin: germline. Affected: yes. Observed: 1 variant allele.
Comment: RFX3: PM2, PP2, PP3

NM_001282116.2(RFX3):c.746A>C (p.Tyr249Ser)

Gene: RFX3 (regulatory factor X3; minus strand). Cytogenetic location: 9p24.2.
Variant type: single nucleotide variant.
Coding change: c.746A>C on transcript NM_001282116.2 (MANE Select); coding-DNA position 746, A replaced by C.
Protein change: p.Tyr249Ser; replaces tyrosine 249 with serine.
Molecular consequence: missense variant.
Genome position (GRCh38, 1-based): chr9:3,288,236, T>G on the plus strand (A>C on the coding strand, the complement: RFX3 is on the minus strand). VCF-style: chr9-3288236-T-G. GRCh37 (hg19) VCF-style: chr9-3288236-T-G.
Other names: c.746A>C, p.Tyr249Ser (NM_001282117.2, NM_001377999.1, NM_002919.4 and 1 more transcripts); short protein forms Y249S.
Identifiers: ClinVar variation 3898646 (VCV003898646.7).